The following is an entry in ClinVar:

NM_002528.7(NTHL1):c.110C>T (p.Ala37Val)

Gene: NTHL1 (nth like DNA glycosylase 1; minus strand). Cytogenetic location: 16p13.3.
Variant type: single nucleotide variant.
Coding change: c.110C>T on transcript NM_002528.7 (MANE Select); coding-DNA position 110, C replaced by T.
Protein change: p.Ala37Val; replaces alanine 37 with valine.
Molecular consequence: missense variant. On other transcripts: 5 prime UTR variant (1).
Genome position (GRCh38, 1-based): chr16:2,047,714, G>A on the plus strand (C>T on the coding strand, the complement: NTHL1 is on the minus strand). VCF-style: chr16-2047714-G-A. GRCh37 (hg19) VCF-style: chr16-2097715-G-A.
Other names: c.110C>T, p.Ala37Val (NM_001318193.2); c.-69C>T (NM_001318194.2); short protein forms A37V.
Identifiers: ClinVar variation 1013798 (VCV001013798.11), dbSNP rs1482983792, ClinGen allele CA394298237.

ClinVar aggregate classification (germline): Conflicting classifications of pathogenicity. Review status: criteria provided, conflicting classifications (1 of 4 stars). 2 submissions from 2 submitters: Uncertain significance (1); Likely benign (1). Last evaluated 2025-02-05.

Conditions:
Hereditary cancer-predisposing syndrome. Also called: Hereditary Cancer Syndrome; Tumor predisposition; Neoplastic Syndromes, Hereditary; Hereditary neoplastic syndrome. Identifiers: Orphanet 140162, MedGen C0027672, MeSH D009386, MONDO:0015356.

Allele frequency attached by ClinVar (database versions not stated): gnomAD exomes below 0.00001.
gnomAD v4.1: 2 of 1,580,376 alleles (0.00013%); highest among the groups gnomAD compares: Admixed American, 0.0034%; no homozygotes.

Submissions (2):

Labcorp Genetics (formerly Invitae), Labcorp
Classification: Uncertain significance. Last evaluated: 2025-02-05. Review status: criteria provided, single submitter. Criteria: Invitae Variant Classification Sherloc (09022015). Collection method: clinical testing. Allele origin: germline.
Comment: This sequence change replaces alanine, which is neutral and non-polar, with valine, which is neutral and non-polar, at codon 45 of the NTHL1 protein (p.Ala45Val). The frequency data for this variant in the population databases is considered unreliable, as metrics indicate poor data quality at this position in the gnomAD database. This variant has not been reported in the literature in individuals affected with NTHL1-related conditions. ClinVar contains an entry for this variant (Variation ID: 1013798). An algorithm developed to predict the effect of missense changes on protein structure and function (PolyPhen-2) suggests that this variant is likely to be tolerated. In summary, the available evidence is currently insufficient to determine the role of this variant in disease. Therefore, it has been classified as a Variant of Uncertain Significance.

Ambry Genetics
Classification: Likely benign for Hereditary cancer-predisposing syndrome. Last evaluated: 2024-12-30. Review status: criteria provided, single submitter. Criteria: Ambry Variant Classification Scheme 2023. Collection method: clinical testing. Allele origin: germline.